The following is an entry in ClinVar:

ClinVar aggregate classification (germline): Likely pathogenic. Review status: criteria provided, single submitter (1 of 4 stars). 2 submissions from 2 submitters: Likely pathogenic (1). 1 of the submissions does not count toward it. Last evaluated 2021-03-01.

Conditions:
Marfan syndrome (MFS). Also called: Marfan syndrome type 1; Marfan syndrome, classic; Marfan's syndrome; FBN1-Related Marfan Syndrome; MARFAN SYNDROME, TYPE I. Identifiers: Orphanet 284963, Orphanet 558, MedGen C0024796, MONDO:0007947, OMIM 154700.

Submissions (2):

Centre of Medical Genetics, University of Antwerp
Classification: Likely pathogenic for Marfan syndrome. Last evaluated: 2021-03-01. Review status: criteria provided, single submitter. Criteria: Submitter's publication. Collection method: research. Allele origin: unknown. Affected: yes.
Comment: PM2, PS1, PP4

Center for Medical Genetics Ghent, University of Ghent
Classification: Likely pathogenic for Marfan syndrome. Last evaluated: 2017-11-07. Review status: no assertion criteria provided. Collection method: clinical testing. Allele origin: de novo. Affected: yes. Not counted in ClinVar's aggregate classification.

NM_000138.5(FBN1):c.3268C>T (p.Pro1090Ser)

Gene: FBN1 (fibrillin 1; minus strand). Cytogenetic location: 15q21.1.
Variant type: single nucleotide variant.
Coding change: c.3268C>T on transcript NM_000138.5 (MANE Select); coding-DNA position 3268, C replaced by T.
Protein change: p.Pro1090Ser; replaces proline 1090 with serine.
Molecular consequence: missense variant.
Genome position (GRCh38, 1-based): chr15:48,488,182, G>A on the plus strand (C>T on the coding strand, the complement: FBN1 is on the minus strand). VCF-style: chr15-48488182-G-A. GRCh37 (hg19) VCF-style: chr15-48780379-G-A.
Other names: short protein forms P1090S.
Identifiers: ClinVar variation 549149 (VCV000549149.18), dbSNP rs1555398633, ClinGen allele CA392327369.